The following is an entry in ClinVar:

ClinVar aggregate classification (germline): Uncertain significance. Review status: criteria provided, multiple submitters, no conflicts (2 of 4 stars). 2 submissions from 2 submitters: Uncertain significance (2). Last evaluated 2025-06-17.

Allele frequency attached by ClinVar (database versions not stated): TOPMed 0.00002; gnomAD 0.00003.
gnomAD v4.1: 120 of 1,613,912 alleles (0.0074%); highest among the groups gnomAD compares: Non-Finnish European, 0.0097%; no homozygotes.

Submissions (2):

Ambry Genetics
Classification: Uncertain significance. Last evaluated: 2025-06-17. Review status: criteria provided, single submitter. Criteria: Ambry Variant Classification Scheme 2023. Collection method: clinical testing. Allele origin: germline.

Labcorp Genetics (formerly Invitae), Labcorp
Classification: Uncertain significance. Last evaluated: 2025-03-10. Review status: criteria provided, single submitter. Criteria: Invitae Variant Classification Sherloc (09022015). Collection method: clinical testing. Allele origin: germline.
Comment: This sequence change replaces alanine, which is neutral and non-polar, with valine, which is neutral and non-polar, at codon 1120 of the ADGRA3 protein (p.Ala1120Val). This variant is present in population databases (rs764835658, gnomAD 0.007%). This variant has not been reported in the literature in individuals affected with ADGRA3-related conditions. ClinVar contains an entry for this variant (Variation ID: 999015). An algorithm developed to predict the effect of missense changes on protein structure and function (PolyPhen-2) suggests that this variant is likely to be tolerated. In summary, the available evidence is currently insufficient to determine the role of this variant in disease. Therefore, it has been classified as a Variant of Uncertain Significance.

NM_145290.4(ADGRA3):c.3359C>T (p.Ala1120Val)

Gene: ADGRA3 (adhesion G protein-coupled receptor A3; minus strand). Cytogenetic location: 4p15.2.
Variant type: single nucleotide variant.
Coding change: c.3359C>T on transcript NM_145290.4 (MANE Select); coding-DNA position 3359, C replaced by T.
Protein change: p.Ala1120Val; replaces alanine 1120 with valine.
Molecular consequence: missense variant.
Genome position (GRCh38, 1-based): chr4:22,388,312, G>A on the plus strand (C>T on the coding strand, the complement: ADGRA3 is on the minus strand). VCF-style: chr4-22388312-G-A. GRCh37 (hg19) VCF-style: chr4-22389935-G-A.
Other names: c.3359C>T (NM_145290.2); short protein forms A1120V.
Identifiers: ClinVar variation 999015 (VCV000999015.9), dbSNP rs764835658, ClinGen allele CA2873388.